The following is an entry in ClinVar:

ClinVar aggregate classification (germline): Uncertain significance (1 of 4 stars; one submission).

Conditions:
Werner syndrome (WRN). Identifiers: Orphanet 902, MedGen C0043119, MONDO:0010196, OMIM 277700.

Allele frequency attached by ClinVar (database versions not stated): gnomAD exomes below 0.00001.
gnomAD v4.1: 1 of 1,613,100 alleles (0.000062%); highest among the groups gnomAD compares: Non-Finnish European, 0.000085%; no homozygotes.

Submission:

Labcorp Genetics (formerly Invitae), Labcorp
Classification: Uncertain significance for Werner syndrome. Last evaluated: 2021-03-02. Review status: criteria provided, single submitter. Criteria: Invitae Variant Classification Sherloc (09022015). Collection method: clinical testing. Allele origin: germline.
Comment: This variant has not been reported in the literature in individuals with WRN-related conditions. This sequence change replaces isoleucine with serine at codon 1335 of the WRN protein (p.Ile1335Ser). The isoleucine residue is moderately conserved and there is a large physicochemical difference between isoleucine and serine. This variant is not present in population databases (ExAC no frequency). Algorithms developed to predict the effect of missense changes on protein structure and function are either unavailable or do not agree on the potential impact of this missense change (SIFT: "Not Available"; PolyPhen-2: "Probably Damaging"; Align-GVGD: "Not Available"). In summary, the available evidence is currently insufficient to determine the role of this variant in disease. Therefore, it has been classified as a Variant of Uncertain Significance.

NM_000553.6(WRN):c.4004T>G (p.Ile1335Ser)

Gene: WRN (WRN RecQ like helicase; plus strand). Cytogenetic location: 8p12.
Variant type: single nucleotide variant.
Coding change: c.4004T>G on transcript NM_000553.6 (MANE Select); coding-DNA position 4004, T replaced by G.
Protein change: p.Ile1335Ser; replaces isoleucine 1335 with serine.
Molecular consequence: missense variant.
Genome position (GRCh38, 1-based): chr8:31,167,043, T>G. VCF-style: chr8-31167043-T-G. GRCh37 (hg19) VCF-style: chr8-31024559-T-G.
Other names: short protein forms I1335S.
Identifiers: ClinVar variation 1061479 (VCV001061479.3), dbSNP rs2130514189, ClinGen allele CA370908559.